The following is an entry in ClinVar:

NM_133259.4(LRPPRC):c.1914_1917del (p.Ile639fs)

Gene: LRPPRC (leucine rich pentatricopeptide repeat containing; minus strand). Cytogenetic location: 2p21.
Variant type: Deletion.
Coding change: c.1914_1917del on transcript NM_133259.4 (MANE Select); coding-DNA positions 1914 to 1917, 4 bases deleted (GATT; older notation c.1914_1917delGATT).
Protein change: p.Ile639fs; shifts the reading frame from isoleucine 639.
Molecular consequence: frameshift variant.
Genome position (GRCh38, 1-based): chr2:43,948,125-43,948,128, AATC deleted on the plus strand (GATT on the coding strand, the reverse complement: LRPPRC is on the minus strand); deleting any 4 consecutive bases within chr2:43,948,125-43,948,131 gives the same sequence; the c. name uses the placement nearest the transcript's 3' end. VCF-style (leftmost placement, unchanged base first): chr2-43948124-TAATC-T. GRCh37 (hg19) VCF-style: chr2-44175263-TAATC-T.
Other names: short protein forms I639fs.
Identifiers: ClinVar variation 953194 (VCV000953194.7), dbSNP rs1672759652, ClinGen allele CA1139656904.
Genomic context (GRCh38, chr2:43,948,124, plus strand): 5'-ACATGCTGTTATATGTAAGTTAAGCATTTTATCCAGTTGATTGCTATTTCACACACACCT[TAATC>T]AATTCAGGAACATGGTAGCTTTCCAGGAGATTACGAATGCCTCTGTAGATATTTTCAGGA-3'

ClinVar aggregate classification (germline): Pathogenic (1 of 4 stars; one submission).

Submission:

Labcorp Genetics (formerly Invitae), Labcorp
Classification: Pathogenic. Last evaluated: 2023-02-04. Review status: criteria provided, single submitter. Criteria: Invitae Variant Classification Sherloc (09022015). Collection method: clinical testing. Allele origin: germline.
Comment: This sequence change creates a premature translational stop signal (p.Ile639Argfs*12) in the LRPPRC gene. It is expected to result in an absent or disrupted protein product. Loss-of-function variants in LRPPRC are known to be pathogenic (PMID: 26510951). This variant is not present in population databases (gnomAD no frequency). This variant has not been reported in the literature in individuals affected with LRPPRC-related conditions. ClinVar contains an entry for this variant (Variation ID: 953194). For these reasons, this variant has been classified as Pathogenic.

Literature cited by the submitters: PubMed 26510951.